The following is an entry in ClinVar:

ClinVar aggregate classification (germline): Uncertain significance. Review status: criteria provided, multiple submitters, no conflicts (2 of 4 stars). 10 submissions from 7 submitters: Uncertain significance (10). Last evaluated 2026-08-07.

Conditions:
Budd-Chiari syndrome (BDCHS). Also called: Hepatic vein obstruction. Identifiers: Orphanet 131, MedGen C0856761, MONDO:0010947, OMIM 600880, HP:0002639.
Thrombophilia due to activated protein C resistance (THPH2). Also called: Activated protein C resistance; PCCF DEFICIENCY; PROC COFACTOR DEFICIENCY; Hereditary Resistance to Activated Protein C; APC resistance; THROMBOPHILIA DUE TO DEFICIENCY OF ACTIVATED PROTEIN C COFACTOR. Identifiers: MedGen C1861171, MONDO:0008560, OMIM 188055. Disease mechanism: loss of function, gain of function.
Thrombophilia due to thrombin defect (THPH1). Also called: Prothrombin Thrombophilia; Thrombosis susceptibility; THROMBOPHILIA DUE TO FACTOR 2 DEFECT; Prothrombin-Related Thrombophilia (Factor II). Identifiers: MedGen C3160733, MONDO:0008559, OMIM 188050. Disease mechanism: gain of function, loss of function.
F5-related disorder. Also called: F5-related condition.
Thromboembolism. Identifiers: MedGen C0040038, HP:0001907.
Deep venous thrombosis. Also called: Deep vein thrombosis. Identifiers: MedGen C0149871, MeSH D020246, HP:0002625.
Factor V deficiency. Also called: Reduced coagulation factor V activity. Identifiers: Orphanet 326, MedGen C4317320, MONDO:0020586, HP:0003225.

Allele frequency attached by ClinVar (database versions not stated): ExAC 0.00004; ESP Exome Variant Server 0.00008; gnomAD exomes 0.00008; TOPMed 0.00008; gnomAD 0.00009 and 0.00010.
gnomAD v4.1: 140 of 1,609,612 alleles (0.0087%); highest among the groups gnomAD compares: Middle Eastern, 0.042%; no homozygotes.

Submissions (10):

PreventionGenetics, part of Exact Sciences
Classification: Uncertain significance for F5-related condition. Last evaluated: 2026-08-07. Review status: criteria provided, single submitter. Criteria: ACMG Guidelines, 2015. Collection method: clinical testing. Allele origin: germline.
Comment: The F5 c.1128G>T variant is predicted to result in the amino acid substitution p.Arg376Ser. This variant, sometimes described as Arg348Ser using legacy nomenclature, has been reported in the compound heterozygous state in a patient with subclinical factor V deficiency (Patient 10, Table 1, Delev et al. 2009. PubMed ID: 19486170) and in the heterozygous state as a variant of uncertain significance in a patient with a thrombotic disorder (Downes et al. 2019. PubMed ID: 31064749). This variant is reported in 0.015% of alleles in individuals of European (Non-Finnish) descent in gnomAD and is reported as a variant of uncertain significance in ClinVar. At this time, the clinical significance of this variant is uncertain due to the absence of conclusive functional and genetic evidence.

Genomic Medicine Center of Excellence, King Faisal Specialist Hospital and Research Centre
Classification: Uncertain significance for Thrombophilia due to activated protein C resistance. Last evaluated: 2024-12-19. Review status: criteria provided, single submitter. Criteria: ACMG Guidelines, 2015. Collection method: clinical testing. Allele origin: germline.

GeneDx
Classification: Uncertain significance. Last evaluated: 2022-05-19. Review status: criteria provided, single submitter. Criteria: GeneDx Variant Classification Process June 2021. Collection method: clinical testing. Allele origin: germline. Affected: yes.
Comment: Reported as p.Arg348Ser in a patient with factor V deficiency who also harbors an additional missense variant in the F5 gene (Delev et al., 2009); In silico analysis supports that this missense variant has a deleterious effect on protein structure/function; This variant is associated with the following publications: (PMID: 34426522, 19486170, 31064749)

Baylor Genetics
Classification: Uncertain significance for Congenital factor V deficiency. Last evaluated: 2019-08-25. Review status: criteria provided, single submitter. Criteria: ACMG Guidelines, 2015. Collection method: clinical testing. Allele origin: unknown. Affected: yes.
Comment: This variant was determined to be of uncertain significance according to ACMG Guidelines, 2015 [PMID:25741868].

NIHR Bioresource Rare Diseases, University of Cambridge
Classification: Uncertain significance for Thromboembolism; Deep venous thrombosis. Last evaluated: 2019-02-01. Review status: criteria provided, single submitter. Criteria: ACMG Guidelines, 2015. Collection method: research. Allele origin: unknown. Affected: yes. Observed: 1 heterozygote. Study: ThromboGenomics.

Illumina Laboratory Services, Illumina
Classification: Uncertain significance for Congenital factor V deficiency. Last evaluated: 2017-04-27. Review status: criteria provided, single submitter. Criteria: ICSL Variant Classification Criteria 13 December 2019. Collection method: clinical testing. Allele origin: germline.
Comment: This variant was observed as part of a predisposition screen in an ostensibly healthy population. A literature search was performed for the gene, cDNA change, and amino acid change (where applicable). Publications were found based on this search. However, the evidence from the literature, in combination with allele frequency data from public databases where available, was not sufficient to rule this variant in or out of causing disease. Therefore, this variant is classified as a variant of unknown significance.

Illumina Laboratory Services, Illumina
Classification: Uncertain significance for Thrombophilia due to activated protein C resistance. Last evaluated: 2017-04-27. Review status: criteria provided, single submitter. Criteria: ICSL Variant Classification Criteria 13 December 2019. Collection method: clinical testing. Allele origin: germline.

Illumina Laboratory Services, Illumina
Classification: Uncertain significance for Venous thrombosis. Last evaluated: 2017-04-27. Review status: criteria provided, single submitter. Criteria: ICSL Variant Classification Criteria 13 December 2019. Collection method: clinical testing. Allele origin: germline.

Illumina Laboratory Services, Illumina
Classification: Uncertain significance for Budd-Chiari syndrome. Last evaluated: 2017-04-27. Review status: criteria provided, single submitter. Criteria: ICSL Variant Classification Criteria 13 December 2019. Collection method: clinical testing. Allele origin: germline.

Breakthrough Genomics
Classification: Uncertain significance. Review status: criteria provided, single submitter. Criteria: ACMG Guidelines, 2015. Collection method: not provided. Allele origin: germline. Inheritance: Autosomal recessive inheritance. Affected: yes.

Literature cited by the submitters: PubMed 31064749 (cited by NIHR Bioresource Rare Diseases, University of Cambridge); PubMed 19486170 (cited by Illumina Laboratory Services, Illumina).

NM_000130.5(F5):c.1128G>T (p.Arg376Ser)

Gene: F5 (coagulation factor V; minus strand). Cytogenetic location: 1q24.2.
Variant type: single nucleotide variant.
Coding change: c.1128G>T on transcript NM_000130.5 (MANE Select); coding-DNA position 1128, G replaced by T.
Protein change: p.Arg376Ser; replaces arginine 376 with serine.
Molecular consequence: missense variant.
Genome position (GRCh38, 1-based): chr1:169,552,725, C>A on the plus strand (G>T on the coding strand, the complement: F5 is on the minus strand). VCF-style: chr1-169552725-C-A. GRCh37 (hg19) VCF-style: chr1-169521963-C-A.
Other names: short protein forms R376S.
Identifiers: ClinVar variation 627209 (VCV000627209.22), dbSNP rs373172802, ClinGen allele CA1234407.